The following is an entry in ClinVar:

NM_016216.4(DBR1):c.361G>A (p.Gly121Ser)

Gene: DBR1 (debranching RNA lariats 1; minus strand). Cytogenetic location: 3q22.3.
Variant type: single nucleotide variant.
Coding change: c.361G>A on transcript NM_016216.4 (MANE Select); coding-DNA position 361, G replaced by A.
Protein change: p.Gly121Ser; replaces glycine 121 with serine.
Molecular consequence: missense variant.
Genome position (GRCh38, 1-based): chr3:138,171,675, C>T on the plus strand (G>A on the coding strand, the complement: DBR1 is on the minus strand). VCF-style: chr3-138171675-C-T. GRCh37 (hg19) VCF-style: chr3-137890517-C-T.
Other names: c.361G>A (NM_016216.3); short protein forms G121S.
Identifiers: ClinVar variation 1975604 (VCV001975604.3), dbSNP rs746465311, ClinGen allele CA2635894.

ClinVar aggregate classification (germline): Uncertain significance. Review status: criteria provided, multiple submitters, no conflicts (2 of 4 stars). 2 submissions from 2 submitters: Uncertain significance (2). Last evaluated 2025-11-26.

Conditions:
Inborn genetic diseases. Identifiers: MedGen C0950123, MeSH D030342.

Allele frequency attached by ClinVar (database versions not stated): TOPMed below 0.00001; gnomAD exomes below 0.00001; ExAC 0.00003.
gnomAD v4.1: 6 of 1,613,496 alleles (0.00037%); highest among the groups gnomAD compares: South Asian, 0.0011%; no homozygotes.

Submissions (2):

Ambry Genetics
Classification: Uncertain significance for Inborn genetic diseases. Last evaluated: 2025-11-26. Review status: criteria provided, single submitter. Criteria: Ambry Variant Classification Scheme 2023. Collection method: clinical testing. Allele origin: germline.

Labcorp Genetics (formerly Invitae), Labcorp
Classification: Uncertain significance. Last evaluated: 2022-05-03. Review status: criteria provided, single submitter. Criteria: Invitae Variant Classification Sherloc (09022015). Collection method: clinical testing. Allele origin: germline.
Comment: This sequence change replaces glycine, which is neutral and non-polar, with serine, which is neutral and polar, at codon 121 of the DBR1 protein (p.Gly121Ser). This variant is present in population databases (rs746465311, gnomAD 0.003%). This variant has not been reported in the literature in individuals affected with DBR1-related conditions. Algorithms developed to predict the effect of missense changes on protein structure and function are either unavailable or do not agree on the potential impact of this missense change (SIFT: "Deleterious"; PolyPhen-2: "Possibly Damaging"; Align-GVGD: "Class C0"). In summary, the available evidence is currently insufficient to determine the role of this variant in disease. Therefore, it has been classified as a Variant of Uncertain Significance.